The following is an entry in ClinVar:

ClinVar aggregate classification (germline): Uncertain significance. Review status: criteria provided, multiple submitters, no conflicts (2 of 4 stars). 3 submissions from 3 submitters: Uncertain significance (3). Last evaluated 2025-10-16.

Conditions:
Inborn genetic diseases. Identifiers: MedGen C0950123, MeSH D030342.
Familial focal epilepsy with variable foci (FPEVF). Identifiers: Orphanet 98820, MedGen C1858477, MONDO:0020310.

Allele frequency attached by ClinVar (database versions not stated): TOPMed below 0.00001; gnomAD 0.00001.
gnomAD v4.1: 13 of 1,550,936 alleles (0.00084%); highest among the groups gnomAD compares: South Asian, 0.0048%; no homozygotes.

Submissions (3):

Labcorp Genetics (formerly Invitae), Labcorp
Classification: Uncertain significance for Familial focal epilepsy with variable foci. Last evaluated: 2025-10-16. Review status: criteria provided, single submitter. Criteria: Invitae Variant Classification Sherloc (09022015). Collection method: clinical testing. Allele origin: germline.
Comment: This sequence change replaces tyrosine, which is neutral and polar, with cysteine, which is neutral and slightly polar, at codon 1108 of the DEPDC5 protein (p.Tyr1108Cys). This variant is present in population databases (no rsID available, gnomAD 0.002%). This variant has not been reported in the literature in individuals affected with DEPDC5-related conditions. ClinVar contains an entry for this variant (Variation ID: 2080071). Experimental studies and prediction algorithms are not available or were not evaluated, and the functional significance of this variant is currently unknown. In summary, the available evidence is currently insufficient to determine the role of this variant in disease. Therefore, it has been classified as a Variant of Uncertain Significance.

GeneDx
Classification: Uncertain significance. Last evaluated: 2024-11-13. Review status: criteria provided, single submitter. Criteria: GeneDx Variant Classification Process June 2021. Collection method: clinical testing. Allele origin: germline. Affected: yes.
Comment: Not observed at a significant frequency in large population cohorts (gnomAD); In silico analysis, which includes protein predictors and evolutionary conservation, supports that this variant does not alter protein structure/function; Has not been previously published as pathogenic or benign to our knowledge

Ambry Genetics
Classification: Uncertain significance for Inborn genetic diseases. Last evaluated: 2024-05-15. Review status: criteria provided, single submitter. Criteria: Ambry Variant Classification Scheme 2023. Collection method: clinical testing. Allele origin: germline.

NM_001242896.3(DEPDC5):c.3323A>G (p.Tyr1108Cys)

Gene: DEPDC5 (DEP domain containing 5, GATOR1 subcomplex subunit; plus strand). Cytogenetic location: 22q12.3.
Variant type: single nucleotide variant.
Coding change: c.3323A>G on transcript NM_001242896.3 (MANE Select); coding-DNA position 3323, A replaced by G.
Protein change: p.Tyr1108Cys; replaces tyrosine 1108 with cysteine.
Molecular consequence: missense variant. On other transcripts: non-coding transcript variant (2), intron variant (5).
Genome position (GRCh38, 1-based): chr22:31,861,426, A>G. VCF-style: chr22-31861426-A-G. GRCh37 (hg19) VCF-style: chr22-32257412-A-G.
Other names: c.3323A>G (NM_001242896.1); c.3296A>G, p.Tyr1099Cys (NM_001136029.4); c.3089A>G, p.Tyr1030Cys (NM_001363854.2, NM_001364319.2); c.3323A>G, p.Tyr1108Cys (NM_001364318.2); c.3239A>G, p.Tyr1080Cys (NM_001369901.1, NM_001369902.1); c.3237+3873A>G (NM_014662.6, NM_001369903.1); c.3264+3873A>G (NM_001363852.2, NM_001364320.2); c.3030+3873A>G (NM_001242897.2); short protein forms Y1108C, Y1030C, Y1080C, Y1099C.
Identifiers: ClinVar variation 2080071 (VCV002080071.6), dbSNP rs1007806024, ClinGen allele CA411294737.
Genomic context (GRCh38, chr22:31,861,426, plus strand): 5'-AGGACGGGGCCTTCTTTATGGAGTTTGTCCGCAGCCCACGCACAGCATCGTCCGCCTTCT[A>G]CCCTCAGGTTAGTCCAACTCCAGGGCTTCGCATGCCTGTCCCACTGGCAGACGCCATGAG-3'
Protein context (NP_001229825.1, residues 1098-1118): RSPRTASSAF[Tyr1108Cys]PQVSVDQTAT